The following is an entry in ClinVar:

ClinVar aggregate classification (germline): Likely pathogenic (1 of 4 stars; one submission).

Conditions:
Primary ciliary dyskinesia 3. Identifiers: Orphanet 244, MedGen C1837618, MONDO:0012085, OMIM 608644.

Submission:

Myriad Genetics, Inc.
Classification: Likely pathogenic for Primary ciliary dyskinesia 3. Last evaluated: 2022-03-01. Review status: criteria provided, single submitter. Criteria: Myriad Women's Health Autosomal Recessive and X-Linked Classification Criteria (2021). Collection method: clinical testing. Allele origin: unknown.
Comment: NM_001369.2(DNAH5):c.11783_11784delAA(K3928Sfs*22) is expected to be pathogenic in the context of DNAH5-related primary ciliary dyskinesia. This variant is predicted to lead to an abnormal or absent protein product due to the creation of a premature termination codon in DNAH5, a gene where loss-of-function variants are known to be pathogenic. Please note: this variant was assessed in the context of healthy population screening.

NM_001369.3(DNAH5):c.11783_11784del (p.Lys3928fs)

Gene: DNAH5 (dynein axonemal heavy chain 5; minus strand). Cytogenetic location: 5p15.2.
Variant type: Deletion.
Coding change: c.11783_11784del on transcript NM_001369.3 (MANE Select); coding-DNA positions 11783 to 11784, 2 bases deleted (AA; older notation c.11783_11784delAA).
Protein change: p.Lys3928fs; shifts the reading frame from lysine 3928.
Molecular consequence: frameshift variant.
Genome position (GRCh38, 1-based): chr5:13,729,538-13,729,539, TT deleted on the plus strand (AA on the coding strand, the reverse complement: DNAH5 is on the minus strand); deleting any 2 consecutive bases within chr5:13,729,538-13,729,540 gives the same sequence; the c. name uses the placement nearest the transcript's 3' end. VCF-style (leftmost placement, unchanged base first): chr5-13729537-CTT-C. GRCh37 (hg19) VCF-style: chr5-13729646-CTT-C.
Other names: short protein forms K3928fs.
Identifiers: ClinVar variation 1724838 (VCV001724838.2), dbSNP rs2546547416, ClinGen allele CA2580071985.